The following is an entry in ClinVar:

ClinVar aggregate classification (germline): Uncertain significance. Review status: criteria provided, multiple submitters, no conflicts (2 of 4 stars). 4 submissions from 4 submitters: Uncertain significance (4). Last evaluated 2025-10-22.

Conditions:
Cardiovascular phenotype. Identifiers: MedGen CN230736.
Cholestanol storage disease (CTX). Also called: Cerebrotendinous Xanthomatosis; CTX: Cerebrotendinous xanthomatosis; CEREBRAL CHOLESTERINOSIS. Identifiers: Orphanet 909, MedGen C0238052, MONDO:0008948, OMIM 213700.

Allele frequency attached by ClinVar (database versions not stated): TOPMed 0.00001; gnomAD 0.00003.
gnomAD v4.1: 39 of 1,614,098 alleles (0.0024%); highest among the groups gnomAD compares: Non-Finnish European, 0.0031%; no homozygotes.

Submissions (4):

Ambry Genetics
Classification: Uncertain significance for Cardiovascular phenotype. Last evaluated: 2025-10-22. Review status: criteria provided, single submitter. Criteria: Ambry Variant Classification Scheme 2023. Collection method: clinical testing. Allele origin: germline.

Labcorp Genetics (formerly Invitae), Labcorp
Classification: Uncertain significance for Cholestanol storage disease. Last evaluated: 2022-08-16. Review status: criteria provided, single submitter. Criteria: Invitae Variant Classification Sherloc (09022015). Collection method: clinical testing. Allele origin: germline.
Comment: This sequence change replaces arginine, which is basic and polar, with glycine, which is neutral and non-polar, at codon 270 of the CYP27A1 protein (p.Arg270Gly). This variant is present in population databases (rs72551318, gnomAD 0.008%). This variant has not been reported in the literature in individuals affected with CYP27A1-related conditions. ClinVar contains an entry for this variant (Variation ID: 596347). Algorithms developed to predict the effect of missense changes on protein structure and function are either unavailable or do not agree on the potential impact of this missense change (SIFT: "Deleterious"; PolyPhen-2: "Probably Damaging"; Align-GVGD: "Class C0"). In summary, the available evidence is currently insufficient to determine the role of this variant in disease. Therefore, it has been classified as a Variant of Uncertain Significance.

Eurofins Ntd Llc (ga)
Classification: Uncertain significance. Last evaluated: 2018-03-06. Review status: criteria provided, single submitter. Criteria: EGL ClinVar v180209 classification definitions. Collection method: clinical testing. Allele origin: germline. Observed: 1 variant allele, 1 heterozygote.

Illumina Laboratory Services, Illumina
Classification: Uncertain significance for Cholestanol storage disease. Last evaluated: 2017-04-28. Review status: criteria provided, single submitter. Criteria: ICSL Variant Classification Criteria 13 December 2019. Collection method: clinical testing. Allele origin: germline.

NM_000784.4(CYP27A1):c.808C>G (p.Arg270Gly)

Gene: CYP27A1 (cytochrome P450 family 27 subfamily A member 1; plus strand). Cytogenetic location: 2q35.
Variant type: single nucleotide variant.
Coding change: c.808C>G on transcript NM_000784.4 (MANE Select); coding-DNA position 808, C replaced by G.
Protein change: p.Arg270Gly; replaces arginine 270 with glycine.
Molecular consequence: missense variant.
Genome position (GRCh38, 1-based): chr2:218,812,713, C>G. VCF-style: chr2-218812713-C-G. GRCh37 (hg19) VCF-style: chr2-219677436-C-G.
Other names: short protein forms R270G.
Identifiers: ClinVar variation 596347 (VCV000596347.11), dbSNP rs72551318, ClinGen allele CA2112723.